The following is an entry in ClinVar:

NM_020750.3(XPO5):c.1819T>A (p.Ser607Thr)

Genes: POLR1C (RNA polymerase I and III subunit C; plus strand), XPO5 (exportin 5; minus strand). Cytogenetic location: 6p21.1.
Variant type: single nucleotide variant.
Coding change: c.1819T>A on transcript NM_020750.3 (MANE Select); coding-DNA position 1819, T replaced by A.
Protein change: p.Ser607Thr; replaces serine 607 with threonine.
Molecular consequence: missense variant. On other transcripts: non-coding transcript variant (1), intron variant (1).
Genome position (GRCh38, 1-based): chr6:43,549,530, A>T on the plus strand (T>A on the coding strand, the complement: XPO5 is on the minus strand). VCF-style: chr6-43549530-A-T. GRCh37 (hg19) VCF-style: chr6-43517267-A-T.
Other names: c.923-1438A>T (NM_001363658.2); short protein forms S607T.
Identifiers: ClinVar variation 2036184 (VCV002036184.4), dbSNP rs2483072839, ClinGen allele CA364241463.
Genomic context (GRCh38, chr6:43,549,530, plus strand): 5'-CCAGGGTCCAGCAGCTTACCAGCACAAGCTGGGGGTAGTCACGACACATCTTGATGATGG[A>T]GGAACAAGCATGCCTCCTCACATTCCTCACTGCCCGGGTTCTGGGGGCCTGAAAAGAGAC-3'
Protein context (NP_065801.1, residues 597-617): VRNVRRHACS[Ser607Thr]IIKMCRDYPQ

ClinVar aggregate classification (germline): Uncertain significance (1 of 4 stars; one submission).

Submission:

Labcorp Genetics (formerly Invitae), Labcorp
Classification: Uncertain significance. Last evaluated: 2022-10-19. Review status: criteria provided, single submitter. Criteria: Invitae Variant Classification Sherloc (09022015). Collection method: clinical testing. Allele origin: germline.
Comment: This sequence change replaces serine, which is neutral and polar, with threonine, which is neutral and polar, at codon 607 of the XPO5 protein (p.Ser607Thr). This variant is not present in population databases (gnomAD no frequency). This variant has not been reported in the literature in individuals affected with XPO5-related conditions. Algorithms developed to predict the effect of missense changes on protein structure and function are either unavailable or do not agree on the potential impact of this missense change (SIFT: "Tolerated"; PolyPhen-2: "Possibly Damaging"; Align-GVGD: "Class C0"). In summary, the available evidence is currently insufficient to determine the role of this variant in disease. Therefore, it has been classified as a Variant of Uncertain Significance.